The following is an entry in ClinVar:

NM_001267550.2(TTN):c.102803C>T (p.Thr34268Ile)

Genes: TTN-AS1 (TTN antisense RNA 1; plus strand), TTN (titin; minus strand). Cytogenetic location: 2q31.2.
Variant type: single nucleotide variant.
Coding change: c.102803C>T on transcript NM_001267550.2 (MANE Select); coding-DNA position 102803, C replaced by T.
Protein change: p.Thr34268Ile; replaces threonine 34268 with isoleucine.
Molecular consequence: missense variant.
Genome position (GRCh38, 1-based): chr2:178,533,812, G>A on the plus strand (C>T on the coding strand, the complement: TTN is on the minus strand). VCF-style: chr2-178533812-G-A. GRCh37 (hg19) VCF-style: chr2-179398539-G-A.
Other names: c.97880C>T, p.Thr32627Ile (NM_001256850.1); c.75608C>T, p.Thr25203Ile (NM_003319.4); c.95099C>T, p.Thr31700Ile (NM_133378.4); c.75983C>T, p.Thr25328Ile (NM_133432.3); c.76184C>T, p.Thr25395Ile (NM_133437.4); short protein forms T25203I, T34268I, T25328I, T25395I, T31700I, T32627I.
Identifiers: ClinVar variation 4784900 (VCV004784900.1).

ClinVar aggregate classification (germline): Uncertain significance (1 of 4 stars; one submission).

Conditions:
Autosomal recessive limb-girdle muscular dystrophy type 2J (LGMDR10). Also called: Limb-girdle muscular dystrophy, type 2J; MUSCULAR DYSTROPHY, LIMB-GIRDLE, AUTOSOMAL RECESSIVE 10. Identifiers: Orphanet 140922, MedGen C1837342, MONDO:0012127, OMIM 608807.
Dilated cardiomyopathy 1G (CMD1G). Identifiers: Orphanet 154, MedGen C1858763, MONDO:0011400, OMIM 604145.

Submission:

Labcorp Genetics (formerly Invitae), Labcorp
Classification: Uncertain significance for Dilated cardiomyopathy 1G; Autosomal recessive limb-girdle muscular dystrophy type 2J. Last evaluated: 2025-05-09. Review status: criteria provided, single submitter. Criteria: Invitae Variant Classification Sherloc (09022015). Collection method: clinical testing. Allele origin: germline.
Comment: This sequence change replaces threonine, which is neutral and polar, with isoleucine, which is neutral and non-polar, at codon 34268 of the TTN protein (p.Thr34268Ile). This variant is not present in population databases (gnomAD no frequency). This variant has not been reported in the literature in individuals affected with TTN-related conditions. Experimental studies and prediction algorithms are not available or were not evaluated, and the functional significance of this variant is currently unknown. This variant is located in the M band of TTN (PMID: 25589632). Non-truncating variants in this region may be relevant for neuromuscular disorders, but have not been definitively shown to cause cardiomyopathy (PMID: 23975875). In summary, the available evidence is currently insufficient to determine the role of this variant in disease. Therefore, it has been classified as a Variant of Uncertain Significance.

Literature cited by the submitters: PubMed 25589632; PubMed 23975875.